The following is an entry in ClinVar:

ClinVar aggregate classification (germline): Uncertain significance (1 of 4 stars; one submission).

Conditions:
Multiple congenital exostosis (EXT). Also called: Multiple osteochondromas; Hereditary multiple osteochondromas; MULTIPLE CARTILAGINOUS EXOSTOSES; Multiple exostoses; Hereditary multiple exostoses; Hereditary multiple exostosis. Identifiers: Orphanet 321, MedGen C0015306, MONDO:0005508, HP:0002762.

gnomAD v4.1: 6 of 1,613,838 alleles (0.00037%); highest among the groups gnomAD compares: Non-Finnish European, 0.00051%; no homozygotes.

Submission:

Labcorp Genetics (formerly Invitae), Labcorp
Classification: Uncertain significance for Multiple congenital exostosis. Last evaluated: 2020-07-01. Review status: criteria provided, single submitter. Criteria: Invitae Variant Classification Sherloc (09022015). Collection method: clinical testing. Allele origin: germline.
Comment: In summary, the available evidence is currently insufficient to determine the role of this variant in disease. Therefore, it has been classified as a Variant of Uncertain Significance. Algorithms developed to predict the effect of missense changes on protein structure and function are either unavailable or do not agree on the potential impact of this missense change (SIFT: "Deleterious"; PolyPhen-2: "Possibly Damaging"; Align-GVGD: "Class C0"). This variant has not been reported in the literature in individuals with EXT1-related conditions. This variant is not present in population databases (ExAC no frequency). This sequence change replaces histidine with proline at codon 719 of the EXT1 protein (p.His719Pro). The histidine residue is highly conserved and there is a moderate physicochemical difference between histidine and proline.

NM_000127.3(EXT1):c.2156A>C (p.His719Pro)

Gene: EXT1 (exostosin glycosyltransferase 1; minus strand). Cytogenetic location: 8q24.11.
Variant type: single nucleotide variant.
Coding change: c.2156A>C on transcript NM_000127.3 (MANE Select); coding-DNA position 2156, A replaced by C.
Protein change: p.His719Pro; replaces histidine 719 with proline.
Molecular consequence: missense variant.
Genome position (GRCh38, 1-based): chr8:117,799,797, T>G on the plus strand (A>C on the coding strand, the complement: EXT1 is on the minus strand). VCF-style: chr8-117799797-T-G. GRCh37 (hg19) VCF-style: chr8-118812036-T-G.
Other names: short protein forms H719P.
Identifiers: ClinVar variation 1006710 (VCV001006710.8), dbSNP rs751787859, ClinGen allele CA371889917.